The following is an entry in ClinVar:

ClinVar aggregate classification (germline): Benign/Likely benign. Review status: criteria provided, multiple submitters, no conflicts (2 of 4 stars). 5 submissions from 5 submitters: Benign (4); Likely benign (1). Last evaluated 2026-02-03.

Conditions:
Cardiovascular phenotype. Identifiers: MedGen CN230736.
Andersen Tawil syndrome (LQT7). Also called: Andersen Syndrome; Potassium-sensitive periodic paralysis, ventricular ectopy, and dysmorphic features; ANDERSEN CARDIODYSRHYTHMIC PERIODIC PARALYSIS; LONG QT SYNDROME 7; PERIODIC PARALYSIS, POTASSIUM-SENSITIVE CARDIODYSRHYTHMIC TYPE. Identifiers: Orphanet 37553, MedGen C1563715, MONDO:0008222, OMIM 170390.
Short QT syndrome type 3. Identifiers: Orphanet 51083, MedGen C1865018, MONDO:0012314, OMIM 609622.

Allele frequency attached by ClinVar (database versions not stated): gnomAD exomes 0.00006 and 0.00019; ExAC 0.00022; TOPMed 0.00061; 1000 Genomes Project 30x 0.00062; ESP Exome Variant Server 0.00069; gnomAD 0.00070 and 0.00073; 1000 Genomes Project 0.00080.
gnomAD v4.1: 200 of 1,614,024 alleles (0.012%); highest among the groups gnomAD compares: African/African-American, 0.25%; 1 homozygote.

Submissions (5):

Labcorp Genetics (formerly Invitae), Labcorp
Classification: Benign for Short QT syndrome type 3; Andersen Tawil syndrome. Last evaluated: 2026-02-03. Review status: criteria provided, single submitter. Criteria: Invitae Variant Classification Sherloc (09022015). Collection method: clinical testing. Allele origin: germline.

Molecular Diagnostic Laboratory for Inherited Cardiovascular Disease, Montreal Heart Institute
Classification: Benign. Last evaluated: 2025-04-09. Review status: criteria provided, single submitter. Criteria: ACMG Guidelines, 2015. Collection method: clinical testing. Allele origin: germline. Affected: no.

Women's Health and Genetics/Laboratory Corporation of America, LabCorp
Classification: Benign. Last evaluated: 2019-05-13. Review status: criteria provided, single submitter. Criteria: LabCorp Variant Classification Summary - May 2015. Collection method: clinical testing. Allele origin: germline.
Comment: Variant summary: KCNJ2 c.1065T>G alters a non-conserved nucleotide resulting in a synonymous change. 5/5 computational tools predict no significant impact on normal splicing. However, these predictions have yet to be confirmed by functional studies. The variant allele was found at a frequency of 0.00019 in 251116 control chromosomes, predominantly at a frequency of 0.0027 within the African or African-American subpopulation in the gnomAD database. The observed variant frequency within African or African-American control individuals in the gnomAD database is approximately 270 fold of the estimated maximal expected allele frequency for a pathogenic variant in KCNJ2 causing Arrhythmia phenotype (1e-05), strongly suggesting that the variant is a benign polymorphism found primarily in populations of African or African-American origin. To our knowledge, no occurrence of c.1065T>G in individuals affected with Arrhythmia and no experimental evidence demonstrating its impact on protein function have been reported. One clinical diagnostic laboratory has submitted clinical-significance assessments for this variant to ClinVar after 2014 without evidence for independent evaluation and classified the variant as likely benign. Based on the evidence outlined above, the variant was classified as benign.

Ambry Genetics
Classification: Likely benign for Cardiovascular phenotype. Last evaluated: 2016-09-09. Review status: criteria provided, single submitter. Criteria: Ambry Variant Classification Scheme 2023. Collection method: clinical testing. Allele origin: germline.

GeneDx
Classification: Benign. Last evaluated: 2014-01-08. Review status: criteria provided, single submitter. Criteria: GeneDx Variant Classification (06012015). Collection method: clinical testing. Allele origin: germline. Affected: yes.
Comment: This variant is considered likely benign or benign based on one or more of the following criteria: it is a conservative change, it occurs at a poorly conserved position in the protein, it is predicted to be benign by multiple in silico algorithms, and/or has population frequency not consistent with disease.

NM_000891.3(KCNJ2):c.1065T>G (p.Leu355=)

Gene: KCNJ2 (potassium inwardly rectifying channel subfamily J member 2; plus strand). Cytogenetic location: 17q24.3.
Variant type: single nucleotide variant.
Coding change: c.1065T>G on transcript NM_000891.3 (MANE Select); coding-DNA position 1065, T replaced by G.
Protein change: p.Leu355=; no amino-acid change (leucine 355 retained).
Molecular consequence: synonymous variant.
Genome position (GRCh38, 1-based): chr17:70,176,104, T>G. VCF-style: chr17-70176104-T-G. GRCh37 (hg19) VCF-style: chr17-68172245-T-G.
Other names: p.L355L:CTT>CTG.
Identifiers: ClinVar variation 137987 (VCV000137987.18), dbSNP rs139564374, ClinGen allele CA291742.